The following is an entry in ClinVar:

ClinVar aggregate classification (germline): Benign. Review status: criteria provided, multiple submitters, no conflicts (2 of 4 stars). 7 submissions from 7 submitters: Benign (4). 3 of the submissions do not count toward it. Last evaluated 2021-04-13.

Conditions:
Spinocerebellar ataxia, autosomal recessive, with axonal neuropathy 1 (SCAN1). Identifiers: Orphanet 94124, MedGen C4759870, MONDO:0011801, OMIM 607250.

Allele frequency attached by ClinVar (database versions not stated): gnomAD exomes 0.10388; ExAC 0.11601; gnomAD 0.24015 and 0.25304; ESP Exome Variant Server 0.26357; TOPMed 0.26548; 1000 Genomes Project 0.27057; 1000 Genomes Project 30x 0.28389.
gnomAD v4.1: 131,439 of 1,614,036 alleles (8.1%); highest among the groups gnomAD compares: African/African-American, 73%; 22,814 homozygotes.

Submissions (7):

GeneDx
Classification: Benign. Last evaluated: 2021-04-13. Review status: criteria provided, single submitter. Criteria: GeneDx Variant Classification Process June 2021. Collection method: clinical testing. Allele origin: germline. Affected: yes.

Illumina Laboratory Services, Illumina
Classification: Benign for Spinocerebellar ataxia, autosomal recessive, with axonal neuropathy 1. Last evaluated: 2018-01-12. Review status: criteria provided, single submitter. Criteria: ICSL Variant Classification Criteria 13 December 2019. Collection method: clinical testing. Allele origin: germline.
Comment: This variant was observed in the ICSL laboratory as part of a predisposition screen in an ostensibly healthy population. It had not been previously curated by ICSL or reported in the Human Gene Mutation Database (HGMD: prior to June 1st, 2018), and was therefore a candidate for classification through an automated scoring system. Utilizing variant allele frequency, disease prevalence and penetrance estimates, and inheritance mode, an automated score was calculated to assess if this variant is too frequent to cause the disease. Based on the score and internal cut-off values, a variant classified as benign is not then subjected to further curation. The score for this variant resulted in a classification of benign for this disease.

Mayo Clinic Laboratories, Mayo Clinic
Classification: Benign. Last evaluated: 2017-07-19. Review status: criteria provided, single submitter. Criteria: ACMG Guidelines, 2015. Collection method: clinical testing. Allele origin: germline. Observed: 315 variant alleles.

Breakthrough Genomics
Classification: Benign. Review status: criteria provided, single submitter. Criteria: ACMG Guidelines, 2015. Collection method: not provided. Allele origin: germline. Inheritance: Autosomal recessive inheritance. Affected: yes.

Clinical Genetics DNA and cytogenetics Diagnostics Lab, Erasmus MC, Erasmus Medical Center
Classification: Benign. Review status: no assertion criteria provided. Collection method: clinical testing. Allele origin: germline. Affected: yes. Study: VKGL Data-share Consensus. Not counted in ClinVar's aggregate classification.

Clinical Genetics, Academic Medical Center
Classification: Benign. Review status: no assertion criteria provided. Collection method: clinical testing. Allele origin: germline. Affected: yes. Study: VKGL Data-share Consensus. Not counted in ClinVar's aggregate classification.

Joint Genome Diagnostic Labs from Nijmegen and Maastricht, Radboudumc and MUMC+
Classification: Benign. Review status: no assertion criteria provided. Collection method: clinical testing. Allele origin: germline. Affected: yes. Study: VKGL Data-share Consensus. Not counted in ClinVar's aggregate classification.

NM_018319.4(TDP1):c.291A>G (p.Gln97=)

Genes: TDP1 (tyrosyl-DNA phosphodiesterase 1; plus strand), LOC126862019 (CDK7 strongly-dependent group 2 enhancer GRCh37_chr14:90429220-90430419; plus strand). Cytogenetic location: 14q32.11.
Variant type: single nucleotide variant.
Coding change: c.291A>G on transcript NM_018319.4 (MANE Select); coding-DNA position 291, A replaced by G.
Protein change: p.Gln97=; no amino-acid change (glutamine 97 retained).
Molecular consequence: synonymous variant.
Genome position (GRCh38, 1-based): chr14:89,963,405, A>G. VCF-style: chr14-89963405-A-G. GRCh37 (hg19) VCF-style: chr14-90429749-A-G.
Other names: p.Gln97=; c.291A>G, p.Gln97= (NM_001008744.2, NM_001330205.2).
Identifiers: ClinVar variation 314824 (VCV000314824.14), dbSNP rs3825663, ClinGen allele CA7303553.